The following is an entry in ClinVar:

NM_000368.5(TSC1):c.217T>C (p.Leu73=)

Gene: TSC1 (TSC complex subunit 1; minus strand). Cytogenetic location: 9q34.13.
Variant type: single nucleotide variant.
Coding change: c.217T>C on transcript NM_000368.5 (MANE Select); coding-DNA position 217, T replaced by C.
Protein change: p.Leu73=; no amino-acid change (leucine 73 retained).
Molecular consequence: synonymous variant. On other transcripts: 5 prime UTR variant (1), intron variant (1).
Genome position (GRCh38, 1-based): chr9:132,925,733, A>G on the plus strand (T>C on the coding strand, the complement: TSC1 is on the minus strand). VCF-style: chr9-132925733-A-G. GRCh37 (hg19) VCF-style: chr9-135801120-A-G.
Other names: c.217T>C, p.Leu73= (NM_001162426.2); c.-147T>C (NM_001362177.2); c.210+1468T>C (NM_001162427.2); c.217T>C (NM_000368.4).
Identifiers: ClinVar variation 1077225 (VCV001077225.12), dbSNP rs2132239282, ClinGen allele CA467594235.

ClinVar aggregate classification (germline): Benign/Likely benign. Review status: criteria provided, multiple submitters, no conflicts (2 of 4 stars). 4 submissions from 4 submitters: Benign (1); Likely benign (3). Last evaluated 2025-07-30.

Conditions:
Hereditary cancer-predisposing syndrome. Also called: Neoplastic Syndromes, Hereditary; Hereditary neoplastic syndrome; Tumor predisposition; Hereditary Cancer Syndrome. Identifiers: Orphanet 140162, MedGen C0027672, MeSH D009386, MONDO:0015356.
Tuberous sclerosis 1 (TSC1). Identifiers: Orphanet 805, MedGen C1854465, MONDO:0008612, OMIM 191100.
Isolated focal cortical dysplasia type II (FCORD2). Also called: Focal cortical dysplasia type II; CORTICAL DYSPLASIA OF TAYLOR. Identifiers: Orphanet 268994, MedGen C1846385, MONDO:0011818, OMIM 607341, HP:0032051.
Lymphangiomyomatosis (LAM). Also called: Lymphangioleiomyomatosis; Lymphangioleiomyomatosis, somatic. Identifiers: Orphanet 538, MedGen C0751674, MONDO:0011705, OMIM 606690.

Submissions (4):

Labcorp Genetics (formerly Invitae), Labcorp
Classification: Likely benign for Tuberous sclerosis 1. Last evaluated: 2025-07-30. Review status: criteria provided, single submitter. Criteria: Invitae Variant Classification Sherloc (09022015). Collection method: clinical testing. Allele origin: germline.

Ambry Genetics
Classification: Likely benign for Hereditary cancer-predisposing syndrome. Last evaluated: 2025-04-18. Review status: criteria provided, single submitter. Criteria: Ambry Variant Classification Scheme 2023. Collection method: clinical testing. Allele origin: germline.

Myriad Genetics, Inc.
Classification: Benign for Tuberous sclerosis 1. Last evaluated: 2025-04-07. Review status: criteria provided, single submitter. Criteria: Myriad Autosomal Dominant, Autosomal Recessive and X-Linked Classification Criteria (2023). Collection method: clinical testing. Allele origin: unknown.
Comment: This variant is considered benign. This variant is a silent/synonymous amino acid change and it is not expected to impact splicing.

Fulgent Genetics
Classification: Likely benign for Tuberous sclerosis 1; Lymphangiomyomatosis; Isolated focal cortical dysplasia type II. Last evaluated: 2021-08-30. Review status: criteria provided, single submitter. Criteria: ACMG Guidelines, 2015. Collection method: clinical testing. Allele origin: unknown.